The following is an entry in ClinVar:

ClinVar aggregate classification (germline): Uncertain significance (1 of 4 stars; one submission).

Conditions:
PKD1-related disorder. Also called: PKD1-related condition.

gnomAD v4.1: 12 of 1,610,698 alleles (0.00075%); highest among the groups gnomAD compares: East Asian, 0.027%; no homozygotes.

Submission:

PreventionGenetics, part of Exact Sciences
Classification: Uncertain significance for PKD1-related condition. Last evaluated: 2026-01-09. Review status: criteria provided, single submitter. Criteria: ACMG Guidelines, 2015. Collection method: clinical testing. Allele origin: germline.
Comment: The PKD1 c.5303C>A variant is predicted to result in the amino acid substitution p.Thr1768Asn. This variant has been reported in individuals with polycystic kidney disease (Supplementary Table S6C, Kim et al. 2019. PubMed ID: 31740684; Oh et al. 2020. PubMed ID: 33095447). This variant is reported in 0.016% of alleles in individuals of East Asian descent in gnomAD. Although we suspect that this variant may be pathogenic, at this time, the clinical significance of this variant is uncertain due to the absence of conclusive functional and genetic evidence.

NM_001009944.3(PKD1):c.5303C>A (p.Thr1768Asn)

Gene: PKD1 (polycystin 1, transient receptor potential channel interacting; minus strand). Cytogenetic location: 16p13.3.
Variant type: single nucleotide variant.
Coding change: c.5303C>A on transcript NM_001009944.3 (MANE Select); coding-DNA position 5303, C replaced by A.
Protein change: p.Thr1768Asn; replaces threonine 1768 with asparagine.
Molecular consequence: missense variant.
Genome position (GRCh38, 1-based): chr16:2,109,864, G>T on the plus strand (C>A on the coding strand, the complement: PKD1 is on the minus strand). VCF-style: chr16-2109864-G-T. GRCh37 (hg19) VCF-style: chr16-2159865-G-T.
Other names: c.5303C>A, p.Thr1768Asn (NM_000296.4); short protein forms T1768N.
Identifiers: ClinVar variation 5001817 (VCV005001817.1).
Genomic context (GRCh38, chr16:2,109,864, plus strand): 5'-CCCAGCGGGTTCCCTGCCGTCATGGTGACCAAGTGCAGGCCGGGTGTGGGGAAGCTATGG[G>T]TGGTAAATGGCTCGGAGGTCTCCCAGCTCAGCCCCTCCTCCAAGGACCAAGTGTATACGA-3'
Protein context (NP_001009944.3, residues 1758-1778): LSWETSEPFT[Thr1768Asn]HSFPTPGLHL